The following is an entry in ClinVar:

NM_005631.5(SMO):c.1793G>T (p.Gly598Val)

Gene: SMO (smoothened, frizzled class receptor; plus strand). Cytogenetic location: 7q32.1.
Variant type: single nucleotide variant.
Coding change: c.1793G>T on transcript NM_005631.5 (MANE Select); coding-DNA position 1793, G replaced by T.
Protein change: p.Gly598Val; replaces glycine 598 with valine.
Molecular consequence: missense variant.
Genome position (GRCh38, 1-based): chr7:129,211,105, G>T. VCF-style: chr7-129211105-G-T. GRCh37 (hg19) VCF-style: chr7-128850946-G-T.
Other names: short protein forms G598V.
Identifiers: ClinVar variation 3372820 (VCV003372820.2).

ClinVar aggregate classification (germline): Uncertain significance. Review status: criteria provided, multiple submitters, no conflicts (2 of 4 stars). 2 submissions from 2 submitters: Uncertain significance (2). Last evaluated 2025-12-10.

Conditions:
Inborn genetic diseases. Identifiers: MedGen C0950123, MeSH D030342.

Submissions (2):

Ambry Genetics
Classification: Uncertain significance for Inborn genetic diseases. Last evaluated: 2025-12-10. Review status: criteria provided, single submitter. Criteria: Ambry Variant Classification Scheme 2023. Collection method: clinical testing. Allele origin: germline.

GeneDx
Classification: Uncertain significance. Last evaluated: 2024-04-24. Review status: criteria provided, single submitter. Criteria: GeneDx Variant Classification Process June 2021. Collection method: clinical testing. Allele origin: germline. Affected: yes.
Comment: Not observed at significant frequency in large population cohorts (gnomAD); In silico analysis supports that this missense variant has a deleterious effect on protein structure/function; Has not been previously published as pathogenic or benign to our knowledge